The following is an entry in ClinVar:

ClinVar aggregate classification (germline): Uncertain significance (1 of 4 stars; one submission).

Conditions:
Hereditary sensory and autonomic neuropathy type 6. Also called: Neuropathy, hereditary sensory and autonomic, type VI; HSAN VI. Identifiers: Orphanet 314381, MedGen C3539003, MONDO:0013839, OMIM 614653.
Epidermolysis bullosa simplex 3, localized or generalized intermediate, with BP230 deficiency (EBS3). Also called: Epidermolysis bullosa simplex due to BP230 deficiency; Epidermolysis bullosa simplex, autosomal recessive 2. Identifiers: Orphanet 412181, MedGen C3809470, MONDO:0014180, OMIM 615425.

Submission:

Labcorp Genetics (formerly Invitae), Labcorp
Classification: Uncertain significance for Epidermolysis bullosa simplex, autosomal recessive 2; Neuropathy, hereditary sensory and autonomic, type VI. Last evaluated: 2019-10-16. Review status: criteria provided, single submitter. Criteria: Invitae Variant Classification Sherloc (09022015). Collection method: clinical testing. Allele origin: germline.
Comment: This sequence change replaces glutamic acid with alanine at codon 2511 of the DST protein (p.Glu2511Ala). The glutamic acid residue is weakly conserved and there is a moderate physicochemical difference between glutamic acid and alanine. This variant is not present in population databases (ExAC no frequency). This variant has not been reported in the literature in individuals with DST-related conditions. Algorithms developed to predict the effect of missense changes on protein structure and function are either unavailable or do not agree on the potential impact of this missense change (SIFT: "Deleterious"; PolyPhen-2: "Benign"; Align-GVGD: "Class C35"). In summary, the available evidence is currently insufficient to determine the role of this variant in disease. Therefore, it has been classified as a Variant of Uncertain Significance.

NM_001723.7(DST):c.7532A>C (p.Glu2511Ala)

Gene: DST (dystonin; minus strand). Cytogenetic location: 6p12.1.
Variant type: single nucleotide variant.
Coding change: c.7532A>C on transcript NM_001723.7 (MANE Plus Clinical); coding-DNA position 7532, A replaced by C.
Protein change: p.Glu2511Ala; replaces glutamic acid 2511 with alanine.
Molecular consequence: missense variant. On other transcripts: intron variant (10).
Genome position (GRCh38, 1-based): chr6:56,615,935, T>G on the plus strand (A>C on the coding strand, the complement: DST is on the minus strand). VCF-style: chr6-56615935-T-G. GRCh37 (hg19) VCF-style: chr6-56480733-T-G.
Other names: c.4831-1451A>C (NM_001144769.5); c.4930-1451A>C (NM_001374722.1, NM_001374736.1); c.4957-1451A>C (NM_001374734.1); c.4417-1451A>C (NM_001144770.2); c.4297-1451A>C (NM_001374730.1, NM_001386100.1, NM_183380.4 and 1 more transcripts); c.3319-1451A>C (NM_015548.5); short protein forms E2511A.
Identifiers: ClinVar variation 955062 (VCV000955062.1), dbSNP rs2098610583, ClinGen allele CA364562803.